The following is an entry in ClinVar:

NM_006231.4(POLE):c.3071T>C (p.Met1024Thr)

Gene: POLE (DNA polymerase epsilon, catalytic subunit; minus strand). Cytogenetic location: 12q24.33.
Variant type: single nucleotide variant.
Coding change: c.3071T>C on transcript NM_006231.4 (MANE Select); coding-DNA position 3071, T replaced by C.
Protein change: p.Met1024Thr; replaces methionine 1024 with threonine.
Molecular consequence: missense variant.
Genome position (GRCh38, 1-based): chr12:132,659,499, A>G on the plus strand (T>C on the coding strand, the complement: POLE is on the minus strand). VCF-style: chr12-132659499-A-G. GRCh37 (hg19) VCF-style: chr12-133236085-A-G.
Other names: c.3071T>C (NM_006231.2); short protein forms M1024T.
Identifiers: ClinVar variation 573030 (VCV000573030.12), dbSNP rs1565956324, ClinGen allele CA387391879.

ClinVar aggregate classification (germline): Uncertain significance. Review status: criteria provided, multiple submitters, no conflicts (2 of 4 stars). 3 submissions from 3 submitters: Uncertain significance (3). Last evaluated 2025-10-28.

Conditions:
Hereditary cancer-predisposing syndrome. Also called: Neoplastic Syndromes, Hereditary; Hereditary Cancer Syndrome; Tumor predisposition; Hereditary neoplastic syndrome. Identifiers: Orphanet 140162, MedGen C0027672, MeSH D009386, MONDO:0015356.

Allele frequency attached by ClinVar (database versions not stated): gnomAD exomes below 0.00001.

Submissions (3):

Ambry Genetics
Classification: Uncertain significance for Hereditary cancer-predisposing syndrome. Last evaluated: 2025-10-28. Review status: criteria provided, single submitter. Criteria: Ambry Variant Classification Scheme 2023. Collection method: clinical testing. Allele origin: germline.
Comment: The p.M1024T variant (also known as c.3071T>C), located in coding exon 26 of the POLE gene, results from a T to C substitution at nucleotide position 3071. The methionine at codon 1024 is replaced by threonine, an amino acid with similar properties. This amino acid position is conserved. In addition, the in silico prediction for this alteration is inconclusive. Based on the available evidence, the clinical significance of this variant remains unclear.

Labcorp Genetics (formerly Invitae), Labcorp
Classification: Uncertain significance. Last evaluated: 2025-02-12. Review status: criteria provided, single submitter. Criteria: Invitae Variant Classification Sherloc (09022015). Collection method: clinical testing. Allele origin: germline.
Comment: This sequence change replaces methionine, which is neutral and non-polar, with threonine, which is neutral and polar, at codon 1024 of the POLE protein (p.Met1024Thr). This variant is not present in population databases (gnomAD no frequency). This variant has not been reported in the literature in individuals affected with POLE-related conditions. ClinVar contains an entry for this variant (Variation ID: 573030). Invitae Evidence Modeling of protein sequence and biophysical properties (such as structural, functional, and spatial information, amino acid conservation, physicochemical variation, residue mobility, and thermodynamic stability) indicates that this missense variant is expected to disrupt POLE protein function with a positive predictive value of 80%. In summary, the available evidence is currently insufficient to determine the role of this variant in disease. Therefore, it has been classified as a Variant of Uncertain Significance.

GeneDx
Classification: Uncertain significance. Last evaluated: 2020-03-17. Review status: criteria provided, single submitter. Criteria: GeneDx Variant Classification Process June 2021. Collection method: clinical testing. Allele origin: germline. Affected: yes.
Comment: Not observed in large population cohorts (Lek 2016); In silico analysis supports that this missense variant has a deleterious effect on protein structure/function; Has not been previously published as pathogenic or benign to our knowledge